The following is an entry in ClinVar:

NM_004453.4(ETFDH):c.937A>G (p.Asn313Asp)

Gene: ETFDH (electron transfer flavoprotein dehydrogenase; plus strand). Cytogenetic location: 4q32.1.
Variant type: single nucleotide variant.
Coding change: c.937A>G on transcript NM_004453.4 (MANE Select); coding-DNA position 937, A replaced by G.
Protein change: p.Asn313Asp; replaces asparagine 313 with aspartic acid.
Molecular consequence: missense variant.
Genome position (GRCh38, 1-based): chr4:158,697,664, A>G. VCF-style: chr4-158697664-A-G. GRCh37 (hg19) VCF-style: chr4-159618816-A-G.
Other names: c.796A>G, p.Asn266Asp (NM_001281737.2); c.754A>G, p.Asn252Asp (NM_001281738.1); short protein forms N266D, N313D, N252D.
Identifiers: ClinVar variation 1441623 (VCV001441623.6), dbSNP rs762031780, ClinGen allele CA3122499.

ClinVar aggregate classification (germline): Uncertain significance (1 of 4 stars; one submission).

Conditions:
Multiple acyl-CoA dehydrogenase deficiency (MADD). Also called: Glutaric acidemia type II; GA 2; Glutaric Acidemia type 2; ETHYLMALONIC-ADIPICACIDURIA; GA II; Glutaric aciduria, type 2. Identifiers: Orphanet 26791, MedGen C0268596, MONDO:0009282, OMIM 231680.

Allele frequency attached by ClinVar (database versions not stated): gnomAD exomes below 0.00001 and 0.00001; ExAC 0.00001.
gnomAD v4.1: 5 of 1,613,836 alleles (0.00031%); highest among the groups gnomAD compares: East Asian, 0.0022%; no homozygotes.

Submission:

Labcorp Genetics (formerly Invitae), Labcorp
Classification: Uncertain significance for Multiple acyl-CoA dehydrogenase deficiency. Last evaluated: 2025-06-03. Review status: criteria provided, single submitter. Criteria: Invitae Variant Classification Sherloc (09022015). Collection method: clinical testing. Allele origin: germline.
Comment: This sequence change replaces asparagine, which is neutral and polar, with aspartic acid, which is acidic and polar, at codon 313 of the ETFDH protein (p.Asn313Asp). This variant is present in population databases (rs762031780, gnomAD 0.01%). This variant has not been reported in the literature in individuals affected with ETFDH-related conditions. ClinVar contains an entry for this variant (Variation ID: 1441623). Invitae Evidence Modeling of protein sequence and biophysical properties (such as structural, functional, and spatial information, amino acid conservation, physicochemical variation, residue mobility, and thermodynamic stability) indicates that this missense variant is not expected to disrupt ETFDH protein function with a negative predictive value of 80%. In summary, the available evidence is currently insufficient to determine the role of this variant in disease. Therefore, it has been classified as a Variant of Uncertain Significance.